The following is an entry in ClinVar:

NM_000540.3(RYR1):c.5490C>T (p.Val1830=)

Gene: RYR1 (ryanodine receptor 1; plus strand). Cytogenetic location: 19q13.2.
Variant type: single nucleotide variant.
Coding change: c.5490C>T on transcript NM_000540.3 (MANE Select); coding-DNA position 5490, C replaced by T.
Protein change: p.Val1830=; no amino-acid change (valine 1830 retained).
Molecular consequence: synonymous variant.
Genome position (GRCh38, 1-based): chr19:38,486,145, C>T. VCF-style: chr19-38486145-C-T. GRCh37 (hg19) VCF-style: chr19-38976785-C-T.
Other names: c.5490C>T, p.Val1830= (NM_001042723.2).
Identifiers: ClinVar variation 1113807 (VCV001113807.11), dbSNP rs1243634588, ClinGen allele CA081805.

ClinVar aggregate classification (germline): Likely benign. Review status: criteria provided, multiple submitters, no conflicts (2 of 4 stars). 3 submissions from 3 submitters: Likely benign (3). Last evaluated 2025-06-30.

Conditions:
RYR1-related disorder. Also called: RYR1-related condition; RYR1-related disorders. Identifiers: MedGen CN239331.
Malignant hyperthermia, susceptibility to, 1 (MHS1). Also called: Malignant hyperthermia suceptibility 1; Anesthesia related hyperthermia; Malignant hyperpyrexia; Fulminating hyperpyrexia; Pharmacogenic myopathy; RYR1-Related Malignant Hyperthermia Susceptibility. Identifiers: Orphanet 423, MedGen C2930980, MONDO:0007783, OMIM 145600.

Allele frequency attached by ClinVar (database versions not stated): gnomAD exomes below 0.00001; gnomAD 0.00001; TOPMed 0.00002.
gnomAD v4.1: 7 of 1,613,042 alleles (0.00043%); highest among the groups gnomAD compares: Admixed American, 0.0083%; no homozygotes.

Submissions (3):

Labcorp Genetics (formerly Invitae), Labcorp
Classification: Likely benign for RYR1-related disorder. Last evaluated: 2025-06-30. Review status: criteria provided, single submitter. Criteria: Invitae Variant Classification Sherloc (09022015). Collection method: clinical testing. Allele origin: germline.

Blueprint Genetics
Classification: Likely benign. Last evaluated: 2023-11-07. Review status: criteria provided, single submitter. Criteria: ACMG Guidelines, 2015. Collection method: clinical testing. Allele origin: germline.

All of Us Research Program, National Institutes of Health
Classification: Likely benign for Malignant hyperthermia, susceptibility to, 1. Last evaluated: 2023-10-06. Review status: criteria provided, single submitter. Criteria: ACMG Guidelines, 2015. Collection method: clinical testing. Allele origin: germline. Inheritance: Autosomal dominant inheritance. Observed: 2 variant alleles, 2 heterozygotes.
Comment: This study involves interpretation of variants in research participants for the purpose of population health screening. Participant phenotype was not available at the time of variant classification. Additional details can be found in publication PMID: 35346344, PMCID: PMC8962531